The following is an entry in ClinVar:

ClinVar aggregate classification (germline): Uncertain significance (1 of 4 stars; one submission).

Conditions:
Acrocallosal syndrome (ACLS). Also called: HALLUX DUPLICATION, POSTAXIAL POLYDACTYLY, AND ABSENCE OF CORPUS CALLOSUM; Schinzel syndrome 1; Absence of corpus callosum with unusual facial appearance, mental deficiency, duplication of the halluces and polydactyly. Identifiers: Orphanet 36, MedGen C0796147, MONDO:0008708, OMIM 200990.

Submission:

Labcorp Genetics (formerly Invitae), Labcorp
Classification: Uncertain significance for Acrocallosal syndrome. Last evaluated: 2023-08-10. Review status: criteria provided, single submitter. Criteria: Invitae Variant Classification Sherloc (09022015). Collection method: clinical testing. Allele origin: germline.
Comment: In summary, the available evidence is currently insufficient to determine the role of this variant in disease. Therefore, it has been classified as a Variant of Uncertain Significance. Advanced modeling of protein sequence and biophysical properties (such as structural, functional, and spatial information, amino acid conservation, physicochemical variation, residue mobility, and thermodynamic stability) has been performed at Invitae for this missense variant, however the output from this modeling did not meet the statistical confidence thresholds required to predict the impact of this variant on KIF7 protein function. ClinVar contains an entry for this variant (Variation ID: 1389293). This variant has not been reported in the literature in individuals affected with KIF7-related conditions. This variant is not present in population databases (gnomAD no frequency). This sequence change replaces valine, which is neutral and non-polar, with glycine, which is neutral and non-polar, at codon 355 of the KIF7 protein (p.Val355Gly).

NM_198525.3(KIF7):c.1064T>G (p.Val355Gly)

Gene: KIF7 (kinesin family member 7; minus strand). Cytogenetic location: 15q26.1.
Variant type: single nucleotide variant.
Coding change: c.1064T>G on transcript NM_198525.3 (MANE Select); coding-DNA position 1064, T replaced by G.
Protein change: p.Val355Gly; replaces valine 355 with glycine.
Molecular consequence: missense variant.
Genome position (GRCh38, 1-based): chr15:89,648,634, A>C on the plus strand (T>G on the coding strand, the complement: KIF7 is on the minus strand). VCF-style: chr15-89648634-A-C. GRCh37 (hg19) VCF-style: chr15-90191865-A-C.
Other names: short protein forms V355G.
Identifiers: ClinVar variation 1389293 (VCV001389293.6), dbSNP rs1964064450, ClinGen allele CA393772780.